The following is an entry in ClinVar:

NM_000492.4(CFTR):c.727A>G (p.Met243Val)

Gene: CFTR (CF transmembrane conductance regulator; plus strand). Cytogenetic location: 7q31.2.
Variant type: single nucleotide variant.
Coding change: c.727A>G on transcript NM_000492.4 (MANE Select); coding-DNA position 727, A replaced by G.
Protein change: p.Met243Val; replaces methionine 243 with valine.
Molecular consequence: missense variant.
Genome position (GRCh38, 1-based): chr7:117,535,395, A>G. VCF-style: chr7-117535395-A-G. GRCh37 (hg19) VCF-style: chr7-117175449-A-G.
Other names: short protein forms M243V.
Identifiers: ClinVar variation 1758049 (VCV001758049.3), dbSNP rs763914313, ClinGen allele CA4450810.

ClinVar aggregate classification (germline): Uncertain significance (1 of 4 stars; one submission).

Conditions:
Cystic fibrosis (CF). Also called: MUCOVISCIDOSIS. Identifiers: Orphanet 586, MedGen C0010674, MONDO:0009061, OMIM 219700. Disease mechanism: loss of function.

Allele frequency attached by ClinVar (database versions not stated): TOPMed below 0.00001; ExAC 0.00001; gnomAD 0.00001; gnomAD exomes 0.00001.
gnomAD v4.1: 4 of 1,614,056 alleles (0.00025%); highest among the groups gnomAD compares: South Asian, 0.0011%; no homozygotes.

Submission:

Ambry Genetics
Classification: Uncertain significance for Cystic fibrosis. Last evaluated: 2025-03-15. Review status: criteria provided, single submitter. Criteria: Ambry Variant Classification Scheme 2023. Collection method: clinical testing. Allele origin: germline.
Comment: The p.M243V variant (also known as c.727A>G), located in coding exon 6 of the CFTR gene, results from an A to G substitution at nucleotide position 727. The methionine at codon 243 is replaced by valine, an amino acid with highly similar properties. This amino acid position is conserved. In addition, the in silico prediction for this alteration is inconclusive. Since supporting evidence is limited at this time, the clinical significance of this alteration remains unclear.